The following is an entry in ClinVar:

ClinVar aggregate classification (germline): Pathogenic/Likely pathogenic. Review status: criteria provided, multiple submitters, no conflicts (2 of 4 stars). 2 submissions from 2 submitters: Pathogenic (1); Likely pathogenic (1). Last evaluated 2025-07-22.

Conditions:
Hereditary cancer-predisposing syndrome. Also called: Tumor predisposition; Hereditary neoplastic syndrome; Neoplastic Syndromes, Hereditary; Hereditary Cancer Syndrome. Identifiers: Orphanet 140162, MedGen C0027672, MeSH D009386, MONDO:0015356.
Hereditary diffuse gastric adenocarcinoma (HDGC). Also called: DIFFUSE GASTRIC AND LOBULAR BREAST CANCER SYNDROME. Identifiers: Orphanet 26106, MedGen C1708349, MONDO:0007648, OMIM 137215.

Submissions (2):

Myriad Genetics, Inc.
Classification: Pathogenic for Hereditary diffuse gastric adenocarcinoma. Last evaluated: 2025-07-22. Review status: criteria provided, single submitter. Criteria: Myriad Autosomal Dominant, Autosomal Recessive and X-Linked Classification Criteria (2023). Collection method: clinical testing. Allele origin: unknown.
Comment: This variant is considered pathogenic. This variant creates a frameshift predicted to result in premature protein truncation.

University of Washington Department of Laboratory Medicine, University of Washington
Classification: Likely pathogenic for Hereditary cancer-predisposing syndrome. Last evaluated: 2015-11-20. Review status: criteria provided, single submitter. Criteria: Shirts et al. (Genet Med 2016). Collection method: clinical testing. Allele origin: germline. Affected: no. Observed: 1 variant allele.

NM_001903.5(CTNNA1):c.195_198del (p.Glu66fs)

Gene: CTNNA1 (catenin alpha 1; plus strand). Cytogenetic location: 5q31.2.
Variant type: Deletion.
Coding change: c.195_198del on transcript NM_001903.5 (MANE Select); coding-DNA positions 195 to 198, 4 bases deleted (TGAA; older notation c.195_198delTGAA).
Protein change: p.Glu66fs; shifts the reading frame from glutamic acid 66.
Molecular consequence: frameshift variant. On other transcripts: 5 prime UTR variant (1), intron variant (1).
Genome position (GRCh38, 1-based): chr5:138,783,266-138,783,269, TGAA deleted. VCF-style (leftmost placement, unchanged base first): chr5-138783265-TTGAA-T. GRCh37 (hg19) VCF-style: chr5-138118954-TTGAA-T.
Other names: c.195_198del, p.Glu66fs (NM_001290307.3, NM_001323982.2, NM_001323983.1 and 3 more transcripts); c.-12_-9del (NM_001290310.3); c.-9+1237_-9+1240del (NM_001290309.3); short protein forms E66fs.
Identifiers: ClinVar variation 224530 (VCV000224530.4), dbSNP rs869312766, ClinGen allele CA353534.
Genomic context (GRCh38, chr5:138,783,265, plus strand): 5'-AAGGGCCCTCTAATAAGAAGAGAGGTCGTTCTAAGAAGGCCCATGTTTTGGCTGCATCTG[TTGAA>T]CAAGCAACTGAGAATTTCTTGGAGAAGGGGGATAAAATTGCGAAGGAGAGCCAGTTTCTC-3'